The following is an entry in ClinVar:

ClinVar aggregate classification (germline): Likely benign. Review status: criteria provided, multiple submitters, no conflicts (2 of 4 stars). 5 submissions from 5 submitters: Likely benign (5). Last evaluated 2026-01-07.

Conditions:
SLC2A2-related disorder. Also called: SLC2A2-related condition.
Fanconi-Bickel syndrome (FBS). Also called: Glycogen storage disease due to GLUT2 deficiency; FANCONI SYNDROME WITH INTESTINAL MALABSORPTION AND GALACTOSE INTOLERANCE; HEPATIC GLYCOGENOSIS WITH AMINO ACIDURIA AND GLUCOSURIA; HEPATIC GLYCOGENOSIS WITH FANCONI NEPHROPATHY; HEPATORENAL GLYCOGENOSIS WITH RENAL FANCONI SYNDROME; PSEUDO-PHLORIZIN DIABETES. Identifiers: Orphanet 2088, MedGen C3495427, MONDO:0009216, OMIM 227810.

Allele frequency attached by ClinVar (database versions not stated): 1000 Genomes Project 0.00020; gnomAD 0.00020 and 0.00021; TOPMed 0.00022; ESP Exome Variant Server 0.00023; gnomAD exomes 0.00027 and 0.00028; ExAC 0.00030; 1000 Genomes Project 30x 0.00031.
gnomAD v4.1: 430 of 1,611,540 alleles (0.027%); highest among the groups gnomAD compares: South Asian, 0.035%; no homozygotes.

Submissions (5):

Labcorp Genetics (formerly Invitae), Labcorp
Classification: Likely benign for Fanconi-Bickel syndrome. Last evaluated: 2026-01-07. Review status: criteria provided, single submitter. Criteria: Invitae Variant Classification Sherloc (09022015). Collection method: clinical testing. Allele origin: germline.

PreventionGenetics, part of Exact Sciences
Classification: Likely benign for SLC2A2-related condition. Last evaluated: 2024-12-03. Review status: criteria provided, single submitter. Criteria: ACMG Guidelines, 2015. Collection method: clinical testing. Allele origin: germline.
Comment: This variant is classified as likely benign based on ACMG/AMP sequence variant interpretation guidelines (Richards et al. 2015 PMID: 25741868, with internal and published modifications).

Blueprint Genetics
Classification: Likely benign. Last evaluated: 2024-11-25. Review status: criteria provided, single submitter. Criteria: ACMG Guidelines, 2015. Collection method: clinical testing. Allele origin: germline.

CeGaT Center for Human Genetics Tuebingen
Classification: Likely benign. Last evaluated: 2022-06-01. Review status: criteria provided, single submitter. Criteria: CeGaT Center For Human Genetics Tuebingen Variant Classification Criteria Version 2. Collection method: clinical testing. Allele origin: germline. Affected: yes. Observed: 1 variant allele.
Comment: SLC2A2: BP4, BP7

GeneDx
Classification: Likely benign. Last evaluated: 2018-02-09. Review status: criteria provided, single submitter. Criteria: GeneDx Variant Classification (06012015). Collection method: clinical testing. Allele origin: germline. Affected: yes.
Comment: This variant is considered likely benign or benign based on one or more of the following criteria: it is a conservative change, it occurs at a poorly conserved position in the protein, it is predicted to be benign by multiple in silico algorithms, and/or has population frequency not consistent with disease.

NM_000340.2(SLC2A2):c.588C>T (p.Ile196=)

Gene: SLC2A2 (solute carrier family 2 member 2; minus strand). Cytogenetic location: 3q26.2.
Variant type: single nucleotide variant.
Coding change: c.588C>T on transcript NM_000340.2 (MANE Select); coding-DNA position 588, C replaced by T.
Protein change: p.Ile196=; no amino-acid change (isoleucine 196 retained).
Molecular consequence: synonymous variant.
Genome position (GRCh38, 1-based): chr3:171,007,172, G>A on the plus strand (C>T on the coding strand, the complement: SLC2A2 is on the minus strand). VCF-style: chr3-171007172-G-A. GRCh37 (hg19) VCF-style: chr3-170724961-G-A.
Other names: c.231C>T, p.Ile77= (NM_001278658.2); c.69C>T, p.Ile23= (NM_001278659.2).
Identifiers: ClinVar variation 507994 (VCV000507994.34), dbSNP rs374624284, ClinGen allele CA2702636.